The following is an entry in ClinVar:

NM_032043.3(BRIP1):c.2533dup (p.Val845fs)

Gene: BRIP1 (BRCA1 interacting DNA helicase 1; minus strand). Cytogenetic location: 17q23.2.
Variant type: Duplication.
Coding change: c.2533dup on transcript NM_032043.3 (MANE Select); coding-DNA position 2533, one base duplicated (G; older notation c.2533dupG).
Protein change: p.Val845fs; shifts the reading frame from valine 845.
Molecular consequence: frameshift variant.
Genome position (GRCh38, 1-based): chr17:61,693,472, C duplicated on the plus strand (G on the coding strand, the reverse complement: BRIP1 is on the minus strand). VCF-style (leftmost placement, unchanged base first): chr17-61693471-A-AC. GRCh37 (hg19) VCF-style: chr17-59770832-A-AC.
Other names: short protein forms V845fs.
Identifiers: ClinVar variation 2583673 (VCV002583673.2), dbSNP rs2544604385, ClinGen allele CA2582342320.

ClinVar aggregate classification (germline): Pathogenic (1 of 4 stars; one submission).

Conditions:
Familial cancer of breast. Also called: Hereditary breast cancer; BREAST CANCER, FAMILIAL; hereditary breast carcinoma. Identifiers: Orphanet 227535, MedGen C0346153, MONDO:0016419, OMIM 114480. Disease mechanism: loss of function.

Submission:

Myriad Genetics, Inc.
Classification: Pathogenic for Familial cancer of breast. Last evaluated: 2023-06-07. Review status: criteria provided, single submitter. Criteria: Myriad Autosomal Dominant, Autosomal Recessive and X-Linked Classification Criteria (2023). Collection method: clinical testing. Allele origin: unknown.
Comment: This variant is considered pathogenic. This variant creates a frameshift predicted to result in premature protein truncation.